The following is an entry in ClinVar:

ClinVar aggregate classification (germline): Uncertain significance (1 of 4 stars; one submission).

Conditions:
Inborn genetic diseases. Identifiers: MedGen C0950123, MeSH D030342.

gnomAD v4.1: 3 of 1,613,938 alleles (0.00019%); highest among the groups gnomAD compares: Non-Finnish European, 0.00025%; no homozygotes.

Submission:

Ambry Genetics
Classification: Uncertain significance for Inborn genetic diseases. Last evaluated: 2025-05-31. Review status: criteria provided, single submitter. Criteria: Ambry Variant Classification Scheme 2023. Collection method: clinical testing. Allele origin: germline.
Comment: The p.F36L variant (also known as c.108T>A), located in coding exon 2 of the BMPR2 gene, results from a T to A substitution at nucleotide position 108. The phenylalanine at codon 36 is replaced by leucine, an amino acid with highly similar properties. This amino acid position is conserved. In addition, this alteration is predicted to be deleterious by in silico analysis. Based on the available evidence, the clinical significance of this variant remains unclear.

NM_001204.7(BMPR2):c.108T>A (p.Phe36Leu)

Gene: BMPR2 (bone morphogenetic protein receptor type 2; plus strand). Cytogenetic location: 2q33.1.
Variant type: single nucleotide variant.
Coding change: c.108T>A on transcript NM_001204.7 (MANE Select); coding-DNA position 108, T replaced by A.
Protein change: p.Phe36Leu; replaces phenylalanine 36 with leucine.
Molecular consequence: missense variant.
Genome position (GRCh38, 1-based): chr2:202,464,840, T>A. VCF-style: chr2-202464840-T-A. GRCh37 (hg19) VCF-style: chr2-203329563-T-A.
Other names: short protein forms F36L.
Identifiers: ClinVar variation 3992210 (VCV003992210.1).